The following is an entry in ClinVar:

NM_001358921.2(COQ2):c.-22T>G

Genes: COQ2 (coenzyme Q2, polyprenyltransferase; minus strand), LOC112997540 (Sharpr-MPRA regulatory region 13773; plus strand). Cytogenetic location: 4q21.23.
Variant type: single nucleotide variant.
Coding change: c.-22T>G on transcript NM_001358921.2 (MANE Select); 22 bases upstream of the start codon, T replaced by G.
Molecular consequence: 5 prime UTR variant. On other transcripts: synonymous variant (1).
Genome position (GRCh38, 1-based): chr4:83,284,786, A>C on the plus strand (T>G on the coding strand, the complement: COQ2 is on the minus strand). VCF-style: chr4-83284786-A-C. GRCh37 (hg19) VCF-style: chr4-84205939-A-C.
Other names: c.129T>G, p.Ala43= (NM_015697.9).
Identifiers: ClinVar variation 2879736 (VCV002879736.16), dbSNP rs754803573, ClinGen allele CA2988709.

ClinVar aggregate classification (germline): Likely benign. Review status: criteria provided, multiple submitters, no conflicts (2 of 4 stars). 2 submissions from 2 submitters: Likely benign (2). Last evaluated 2025-01-01.

Allele frequency attached by ClinVar (database versions not stated): TOPMed below 0.00001; gnomAD 0.00001; ExAC 0.00004.
gnomAD v4.1: 15 of 1,566,428 alleles (0.00096%); highest among the groups gnomAD compares: South Asian, 0.016%; no homozygotes.

Submissions (2):

CeGaT Center for Human Genetics Tuebingen
Classification: Likely benign. Last evaluated: 2025-01-01. Review status: criteria provided, single submitter. Criteria: CeGaT Center For Human Genetics Tuebingen Variant Classification Criteria Version 2. Collection method: clinical testing. Allele origin: germline. Affected: yes. Observed: 1 variant allele.
Comment: COQ2: BP4, BP7

Labcorp Genetics (formerly Invitae), Labcorp
Classification: Likely benign. Last evaluated: 2024-11-05. Review status: criteria provided, single submitter. Criteria: Invitae Variant Classification Sherloc (09022015). Collection method: clinical testing. Allele origin: germline.